The following is an entry in ClinVar:

ClinVar aggregate classification (germline): Pathogenic (1 of 4 stars; one submission).

Conditions:
Generalized epilepsy. Identifiers: MedGen C0014548, MONDO:0100574.

Submission:

Dubai Health Genomic Medicine Center, Dubai Health
Classification: Pathogenic for Generalized epilepsy. Last evaluated: 2024-10-04. Review status: criteria provided, single submitter. Criteria: ACMG Guidelines, 2015. Collection method: research. Allele origin: germline. Affected: yes.
Comment: PVS1,PP4,PM2

NM_052874.5(STX1B):c.451C>T (p.Gln151Ter)

Gene: STX1B (syntaxin 1B; minus strand). Cytogenetic location: 16p11.2.
Variant type: single nucleotide variant.
Coding change: c.451C>T on transcript NM_052874.5 (MANE Select); coding-DNA position 451, C replaced by T.
Protein change: p.Gln151Ter; replaces glutamine 151 with a stop codon.
Molecular consequence: nonsense.
Genome position (GRCh38, 1-based): chr16:30,996,963, G>A on the plus strand (C>T on the coding strand, the complement: STX1B is on the minus strand). VCF-style: chr16-30996963-G-A. GRCh37 (hg19) VCF-style: chr16-31008284-G-A.
Other names: short protein forms Q151*.
Identifiers: ClinVar variation 3384007 (VCV003384007.1).